The following is an entry in ClinVar:

ClinVar aggregate classification (germline): Pathogenic/Likely pathogenic. Review status: criteria provided, multiple submitters, no conflicts (2 of 4 stars). 7 submissions from 5 submitters: Pathogenic (3); Likely pathogenic (4). Last evaluated 2025-09-29.

Conditions:
Retinitis pigmentosa 12 (RP12). Also called: RP WITH OR WITHOUT PPRPE; RP WITH OR WITHOUT PRESERVED PARAARTERIOLE RETINAL PIGMENT EPITHELIUM; RETINITIS PIGMENTOSA WITH OR WITHOUT PARAARTERIOLAR PRESERVATION OF RETINAL PIGMENT EPITHELIUM. Identifiers: Orphanet 791, MedGen C1838647, MONDO:0010818, OMIM 600105.
Leber congenital amaurosis 8 (LCA8). Identifiers: Orphanet 65, MedGen C3151202, MONDO:0013453, OMIM 613835.
Pigmented paravenous retinochoroidal atrophy. Identifiers: Orphanet 251295, MedGen C1868310, MONDO:0008246, OMIM 172870.
Leber congenital amaurosis (LCA). Also called: Leber's amaurosis. Identifiers: Orphanet 65, MedGen C0339527, MeSH D057130, MONDO:0018998.

Allele frequency attached by ClinVar (database versions not stated): gnomAD exomes below 0.00001 and 0.00003; ExAC 0.00001; gnomAD 0.00001; TOPMed 0.00001.
gnomAD v4.1: 10 of 1,614,102 alleles (0.00062%); highest among the groups gnomAD compares: East Asian, 0.02%; no homozygotes.

Submissions (7):

Natera, Inc.
Classification: Pathogenic for Leber congenital amaurosis. Last evaluated: 2025-09-29. Review status: criteria provided, single submitter. Criteria: Natera Variant Classification Schema (03/2026). Collection method: clinical testing. Allele origin: germline.
Comment: The c.1831T>C variant in CRB1 is a missense variant predicted to cause substitution of serine to proline at amino acid 611. This variant is rare in the general population with a frequency below the threshold expected for the associated phenotype(s). This variant has been observed in one or more individuals affected with the associated recessive disease, as either homozygous or compound heterozygous with a second variant (PMID: 21602930, 25377065, 24715753, 26047050). Computational prediction algorithms indicate this variant is likely to affect gene or protein function. Given the available evidence, this variant is classified as Pathogenic.

Baylor Genetics
Classification: Pathogenic for Leber congenital amaurosis 8. Last evaluated: 2024-02-21. Review status: criteria provided, single submitter. Criteria: ACMG Guidelines, 2015. Collection method: clinical testing. Allele origin: unknown.

Labcorp Genetics (formerly Invitae), Labcorp
Classification: Pathogenic for Leber congenital amaurosis 8; Retinitis pigmentosa 12. Last evaluated: 2024-01-28. Review status: criteria provided, single submitter. Criteria: Invitae Variant Classification Sherloc (09022015). Collection method: clinical testing. Allele origin: germline.
Comment: This sequence change replaces serine, which is neutral and polar, with proline, which is neutral and non-polar, at codon 611 of the CRB1 protein (p.Ser611Pro). This variant is present in population databases (rs769909288, gnomAD 0.05%). This missense change has been observed in individual(s) with retinitis pigementosa and Leber congenital amaurosis (PMID: 21602930, 24715753, 25356976, 25377065). In at least one individual the data is consistent with being in trans (on the opposite chromosome) from a pathogenic variant. ClinVar contains an entry for this variant (Variation ID: 1076789). Advanced modeling of protein sequence and biophysical properties (such as structural, functional, and spatial information, amino acid conservation, physicochemical variation, residue mobility, and thermodynamic stability) performed at Invitae indicates that this missense variant is expected to disrupt CRB1 protein function with a positive predictive value of 80%. For these reasons, this variant has been classified as Pathogenic.

Genome-Nilou Lab
Classification: Likely pathogenic for Leber congenital amaurosis 8. Last evaluated: 2023-04-11. Review status: criteria provided, single submitter. Criteria: ACMG Guidelines, 2015. Collection method: clinical testing. Allele origin: germline. Affected: no.

Genome-Nilou Lab
Classification: Likely pathogenic for Pigmented paravenous retinochoroidal atrophy. Last evaluated: 2023-04-11. Review status: criteria provided, single submitter. Criteria: ACMG Guidelines, 2015. Collection method: clinical testing. Allele origin: germline. Affected: no.

Genome-Nilou Lab
Classification: Likely pathogenic for Retinitis pigmentosa 12. Last evaluated: 2023-04-11. Review status: criteria provided, single submitter. Criteria: ACMG Guidelines, 2015. Collection method: clinical testing. Allele origin: germline. Affected: no.

Fulgent Genetics
Classification: Likely pathogenic for Pigmented paravenous retinochoroidal atrophy; Retinitis pigmentosa 12; Leber congenital amaurosis 8. Last evaluated: 2021-07-16. Review status: criteria provided, single submitter. Criteria: ACMG Guidelines, 2015. Collection method: clinical testing. Allele origin: unknown.

Literature cited by the submitters: PubMed 21602930 (cited by Natera, Inc. and Labcorp Genetics (formerly Invitae), Labcorp); PubMed 25377065 (cited by Natera, Inc. and Labcorp Genetics (formerly Invitae), Labcorp); PubMed 24715753 (cited by Natera, Inc. and Labcorp Genetics (formerly Invitae), Labcorp); PubMed 26047050 (cited by Natera, Inc.); PubMed 25356976 (cited by Labcorp Genetics (formerly Invitae), Labcorp).

NM_201253.3(CRB1):c.1831T>C (p.Ser611Pro)

Gene: CRB1 (crumbs cell polarity complex component 1; plus strand). Cytogenetic location: 1q31.3.
Variant type: single nucleotide variant.
Coding change: c.1831T>C on transcript NM_201253.3 (MANE Select); coding-DNA position 1831, T replaced by C.
Protein change: p.Ser611Pro; replaces serine 611 with proline.
Molecular consequence: missense variant. On other transcripts: non-coding transcript variant (1).
Genome position (GRCh38, 1-based): chr1:197,421,659, T>C. VCF-style: chr1-197421659-T-C. GRCh37 (hg19) VCF-style: chr1-197390789-T-C.
Other names: c.1831T>C (NM_201253.2); c.1495T>C, p.Ser499Pro (NM_001193640.2); c.1624T>C, p.Ser542Pro (NM_001257965.2); c.1831T>C, p.Ser611Pro (NM_001257966.2); short protein forms S499P, S542P, S611P.
Identifiers: ClinVar variation 1076789 (VCV001076789.12), dbSNP rs769909288, ClinGen allele CA1311991.